The following is an entry in ClinVar:

NM_016343.4(CENPF):c.8612A>G (p.His2871Arg)

Gene: CENPF (centromere protein F; plus strand). Cytogenetic location: 1q41.
Variant type: single nucleotide variant.
Coding change: c.8612A>G on transcript NM_016343.4 (MANE Select); coding-DNA position 8612, A replaced by G.
Protein change: p.His2871Arg; replaces histidine 2871 with arginine.
Molecular consequence: missense variant.
Genome position (GRCh38, 1-based): chr1:214,657,059, A>G. VCF-style: chr1-214657059-A-G. GRCh37 (hg19) VCF-style: chr1-214830402-A-G.
Other names: short protein forms H2871R.
Identifiers: ClinVar variation 3142355 (VCV003142355.2), dbSNP rs149345652, ClinGen allele CA1391463.
Genomic context (GRCh38, chr1:214,657,059, plus strand): 5'-AAGAAAAAACCAAGGAGGCAGATGAATACTTGGATAAGTACTGTTCCTTGCTTATAAGCC[A>G]TGAAAAGTTAGAGAAAGCTAAAGAGATGTTAGAGACACAAGTGGCCCATCTGTGTTCACA-3'
Protein context (NP_057427.3, residues 2861-2881): LDKYCSLLIS[His2871Arg]EKLEKAKEML

ClinVar aggregate classification (germline): Uncertain significance. Review status: criteria provided, multiple submitters, no conflicts (2 of 4 stars). 2 submissions from 2 submitters: Uncertain significance (2). Last evaluated 2025-04-29.

Conditions:
Inborn genetic diseases. Identifiers: MedGen C0950123, MeSH D030342.

Allele frequency attached by ClinVar (database versions not stated): gnomAD exomes below 0.00001; ExAC 0.00001; gnomAD 0.00003; TOPMed 0.00003; ESP Exome Variant Server 0.00008.
gnomAD v4.1: 10 of 1,614,078 alleles (0.00062%); highest among the groups gnomAD compares: African/African-American, 0.0067%; no homozygotes.

Submissions (2):

GeneDx
Classification: Uncertain significance. Last evaluated: 2025-04-29. Review status: criteria provided, single submitter. Criteria: GeneDx Variant Classification Process June 2021. Collection method: clinical testing. Allele origin: germline. Affected: yes.
Comment: Not observed at significant frequency in large population cohorts (gnomAD); In silico analysis indicates that this missense variant does not alter protein structure/function; Has not been previously published as pathogenic or benign to our knowledge

Ambry Genetics
Classification: Uncertain significance for Inborn genetic diseases. Last evaluated: 2024-01-24. Review status: criteria provided, single submitter. Criteria: Ambry Variant Classification Scheme 2023. Collection method: clinical testing. Allele origin: germline.